The following is an entry in ClinVar:

NM_172240.3(POC1B):c.472C>G (p.Leu158Val)

Genes: POC1B (POC1 centriolar protein B; minus strand), POC1B-DUSP6 (POC1B-DUSP6 readthrough; minus strand). Cytogenetic location: 12q21.33.
Variant type: single nucleotide variant.
Coding change: c.472C>G on transcript NM_172240.3 (MANE Select); coding-DNA position 472, C replaced by G.
Protein change: p.Leu158Val; replaces leucine 158 with valine.
Molecular consequence: missense variant. On other transcripts: non-coding transcript variant (2).
Genome position (GRCh38, 1-based): chr12:89,472,256, G>C on the plus strand (C>G on the coding strand, the complement: POC1B is on the minus strand). VCF-style: chr12-89472256-G-C. GRCh37 (hg19) VCF-style: chr12-89866033-G-C.
Other names: c.346C>G, p.Leu116Val (NM_001199777.2); short protein forms L116V, L158V.
Identifiers: ClinVar variation 1392371 (VCV001392371.4), dbSNP rs2120853117, ClinGen allele CA385998514.

ClinVar aggregate classification (germline): Uncertain significance (1 of 4 stars; one submission).

Submission:

Labcorp Genetics (formerly Invitae), Labcorp
Classification: Uncertain significance. Last evaluated: 2022-08-16. Review status: criteria provided, single submitter. Criteria: Invitae Variant Classification Sherloc (09022015). Collection method: clinical testing. Allele origin: germline.
Comment: This variant has not been reported in the literature in individuals affected with POC1B-related conditions. This variant is not present in population databases (gnomAD no frequency). This sequence change replaces leucine, which is neutral and non-polar, with valine, which is neutral and non-polar, at codon 158 of the POC1B protein (p.Leu158Val). ClinVar contains an entry for this variant (Variation ID: 1392371). In summary, the available evidence is currently insufficient to determine the role of this variant in disease. Therefore, it has been classified as a Variant of Uncertain Significance. Algorithms developed to predict the effect of sequence changes on RNA splicing suggest that this variant may create or strengthen a splice site. Advanced modeling of protein sequence and biophysical properties (such as structural, functional, and spatial information, amino acid conservation, physicochemical variation, residue mobility, and thermodynamic stability) performed at Invitae indicates that this missense variant is not expected to disrupt POC1B protein function.